The following is an entry in ClinVar:

ClinVar aggregate classification (germline): Uncertain significance (1 of 4 stars; one submission).

Conditions:
Long QT syndrome (LQTS). Identifiers: MedGen C0023976, MeSH D008133, MONDO:0002442. Disease mechanism: loss of function. Inheritance: Various modes of inheritance.

Submission:

Labcorp Genetics (formerly Invitae), Labcorp
Classification: Uncertain significance for Long QT syndrome. Last evaluated: 2024-07-22. Review status: criteria provided, single submitter. Criteria: Invitae Variant Classification Sherloc (09022015). Collection method: clinical testing. Allele origin: germline.
Comment: This sequence change falls in intron 6 of the AKAP9 gene. It does not directly change the encoded amino acid sequence of the AKAP9 protein. This variant is present in population databases (no rsID available, gnomAD 0.4%). This variant has not been reported in the literature in individuals affected with AKAP9-related conditions. This variant is also known as p.Leu245_Gln246insLeuSerValPro*. Experimental studies and prediction algorithms are not available or were not evaluated, and the effect of this variant on mRNA splicing is currently unknown. In summary, the available evidence is currently insufficient to determine the role of this variant in disease. Therefore, it has been classified as a Variant of Uncertain Significance.

NM_005751.5(AKAP9):c.733-62_736dup

Genes: AKAP9 (A-kinase anchoring protein 9; plus strand), LOC129998789 (ATAC-STARR-seq lymphoblastoid silent region 18366; plus strand). Cytogenetic location: 7q21.2.
Variant type: Duplication.
Coding change: c.733-62_736dup on transcript NM_005751.5 (MANE Select); 62 bases into the intron before coding-DNA position 733 through coding-DNA position 736, 66 bases duplicated.
Molecular consequence: splice acceptor variant.
Genome position (GRCh38, 1-based): chr7:91,995,541-91,995,606, 66 bases duplicated. GRCh37 (hg19): chr7:91,624,855-91,624,920.
Other names: c.733-62_736dup (NM_147185.3).
Identifiers: ClinVar variation 3632573 (VCV003632573.2).